The following is an entry in ClinVar:

NM_005208.5(CRYBA1):c.590_591del (p.Glu197fs)

Gene: CRYBA1 (crystallin beta A1; plus strand). Cytogenetic location: 17q11.2.
Variant type: Microsatellite.
Coding change: c.590_591del on transcript NM_005208.5 (MANE Select); coding-DNA positions 590 to 591, 2 bases deleted (AG; older notation c.590_591delAG).
Protein change: p.Glu197fs; shifts the reading frame from glutamic acid 197.
Molecular consequence: frameshift variant.
Genome position (GRCh38, 1-based): chr17:29,254,291-29,254,292, AG deleted; deleting any 2 consecutive bases within chr17:29,254,286-29,254,292 gives the same sequence; the c. name uses the placement nearest the transcript's 3' end. VCF-style (leftmost placement, unchanged base first): chr17-29254285-GGA-G. GRCh37 (hg19) VCF-style: chr17-27581303-GGA-G.
Other names: c.590_591delAG (NM_005208.4); short protein forms E197fs.
Identifiers: ClinVar variation 665795 (VCV000665795.7), dbSNP rs786205628, ClinGen allele CA625778231.

ClinVar aggregate classification (germline): Conflicting classifications of pathogenicity. Review status: criteria provided, conflicting classifications (1 of 4 stars). 2 submissions from 2 submitters: Pathogenic (1); Uncertain significance (1). Last evaluated 2025-09-02.

Conditions:
Cataract 10 multiple types. Also called: CATARACT 10, CONGENITAL ZONULAR, WITH SUTURAL OPACITIES. Identifiers: Orphanet 91492, MedGen C1833229, MONDO:0010948, OMIM 600881.

Submissions (2):

Labcorp Genetics (formerly Invitae), Labcorp
Classification: Pathogenic for Cataract 10 multiple types. Last evaluated: 2025-09-02. Review status: criteria provided, single submitter. Criteria: Invitae Variant Classification Sherloc (09022015). Collection method: clinical testing. Allele origin: germline.
Comment: This sequence change is expected to alter the c-terminus of the CRYBA1 protein (p.Glu197Valfs*22). While this is not anticipated to result in nonsense mediated decay, it is expected to disrupt the last 19 amino acid(s) of the CRYBA1 protein and extend the protein by 2 additional amino acid residues. This variant is present in population databases (no rsID available, gnomAD 0.0009%). This frameshift has been observed in individuals with autosomal dominant congenital cataract (PMID: 24926697, 37458831; internal data). It has also been observed to segregate with disease in related individuals. For these reasons, this variant has been classified as Pathogenic.

MGZ Medical Genetics Center
Classification: Uncertain significance for Cataract 10 multiple types. Last evaluated: 2022-02-28. Review status: criteria provided, single submitter. Criteria: ACMG Guidelines, 2015. Collection method: clinical testing. Allele origin: germline. Affected: yes. Observed: 1 variant allele.
Comment: ACMG criteria applied: PVS1_STR, PM2_SUP

Literature cited by the submitters: PubMed 24926697 (cited by Labcorp Genetics (formerly Invitae), Labcorp); PubMed 37458831 (cited by Labcorp Genetics (formerly Invitae), Labcorp).